The following is an entry in ClinVar:

NM_001298.3(CNGA3):c.1580T>G (p.Leu527Arg)

Gene: CNGA3 (cyclic nucleotide gated channel subunit alpha 3; plus strand). Cytogenetic location: 2q11.2.
Variant type: single nucleotide variant.
Coding change: c.1580T>G on transcript NM_001298.3 (MANE Select); coding-DNA position 1580, T replaced by G.
Protein change: p.Leu527Arg; replaces leucine 527 with arginine.
Molecular consequence: missense variant.
Genome position (GRCh38, 1-based): chr2:98,396,750, T>G. VCF-style: chr2-98396750-T-G. GRCh37 (hg19) VCF-style: chr2-99013213-T-G.
Other names: c.1526T>G, p.Leu509Arg (NM_001079878.2); short protein forms L527R, L509R.
Identifiers: ClinVar variation 2203123 (VCV002203123.5), dbSNP rs779023431, ClinGen allele CA1794043.
Genomic context (GRCh38, chr2:98,396,750, plus strand): 5'-ATTATATCTGCAAGAAGGGAGATATTGGGAAGGAGATGTACATCATCAACGAGGGCAAGC[T>G]GGCCGTGGTGGCTGATGATGGGGTCACCCAGTTCGTGGTCCTCAGCGATGGCAGCTACTT-3'
Protein context (NP_001289.1, residues 517-537): KEMYIINEGK[Leu527Arg]AVVADDGVTQ

ClinVar aggregate classification (germline): Pathogenic. Review status: criteria provided, multiple submitters, no conflicts (2 of 4 stars). 2 submissions from 2 submitters: Pathogenic (2). Last evaluated 2024-04-08.

Conditions:
CNGA3-related disorders.

Allele frequency attached by ClinVar (database versions not stated): ExAC 0.00001; gnomAD 0.00001; gnomAD exomes 0.00002.
gnomAD v4.1: 23 of 1,614,056 alleles (0.0014%); highest among the groups gnomAD compares: Non-Finnish European, 0.0019%; no homozygotes.

Submissions (2):

Blueprint Genetics
Classification: Pathogenic for CNGA3-related disorders. Last evaluated: 2024-04-08. Review status: criteria provided, single submitter. Criteria: ACMG Guidelines, 2015. Collection method: clinical testing. Allele origin: germline. Affected: yes. Observed: 2 variant alleles.

Labcorp Genetics (formerly Invitae), Labcorp
Classification: Pathogenic. Last evaluated: 2023-06-14. Review status: criteria provided, single submitter. Criteria: Invitae Variant Classification Sherloc (09022015). Collection method: clinical testing. Allele origin: germline.
Comment: This sequence change replaces leucine, which is neutral and non-polar, with arginine, which is basic and polar, at codon 527 of the CNGA3 protein (p.Leu527Arg). This variant is present in population databases (rs779023431, gnomAD 0.002%). This missense change has been observed in individuals with achromatopsia (PMID: 21911670, 30682209). It has also been observed to segregate with disease in related individuals. ClinVar contains an entry for this variant (Variation ID: 2203123). Advanced modeling of protein sequence and biophysical properties (such as structural, functional, and spatial information, amino acid conservation, physicochemical variation, residue mobility, and thermodynamic stability) performed at Invitae indicates that this missense variant is expected to disrupt CNGA3 protein function. For these reasons, this variant has been classified as Pathogenic.

Literature cited by the submitters: PubMed 21911670 (cited by Labcorp Genetics (formerly Invitae), Labcorp); PubMed 30682209 (cited by Labcorp Genetics (formerly Invitae), Labcorp).